The following is an entry in ClinVar:

ClinVar aggregate classification (germline): Likely benign. Review status: criteria provided, single submitter (1 of 4 stars). 2 submissions from 2 submitters: Likely benign (1). 1 of the submissions does not count toward it. Last evaluated 2025-08-01.

Conditions:
HECTD4-related disorder. Also called: HECTD4-related condition.

Allele frequency attached by ClinVar (database versions not stated): gnomAD 0.00145; TOPMed 0.00157; 1000 Genomes Project 30x 0.00094; 1000 Genomes Project 0.00100; ESP Exome Variant Server 0.00100; ExAC 0.00119.
gnomAD v4.1: 3,097 of 1,595,668 alleles (0.19%); highest among the groups gnomAD compares: Non-Finnish European, 0.24%; 3 homozygotes.

Submissions (2):

CeGaT Center for Human Genetics Tuebingen
Classification: Likely benign. Last evaluated: 2025-08-01. Review status: criteria provided, single submitter. Criteria: CeGaT Center For Human Genetics Tuebingen Variant Classification Criteria Version 2. Collection method: clinical testing. Allele origin: germline. Affected: yes. Observed: 1 variant allele.
Comment: HECTD4: BS2

PreventionGenetics, part of Exact Sciences
Classification: Likely benign for HECTD4-related condition. Last evaluated: 2022-07-06. Review status: no assertion criteria provided. Collection method: clinical testing. Allele origin: germline. Not counted in ClinVar's aggregate classification.
Comment: This variant is classified as likely benign based on ACMG/AMP sequence variant interpretation guidelines (Richards et al. 2015 PMID: 25741868, with internal and published modifications).

NM_001388303.1(HECTD4):c.2864G>A (p.Arg955His)

Gene: HECTD4 (HECT domain E3 ubiquitin protein ligase 4; minus strand). Cytogenetic location: 12q24.13.
Variant type: single nucleotide variant.
Coding change: c.2864G>A on transcript NM_001388303.1 (MANE Select); coding-DNA position 2864, G replaced by A.
Protein change: p.Arg955His; replaces arginine 955 with histidine.
Molecular consequence: missense variant.
Genome position (GRCh38, 1-based): chr12:112,261,314, C>T on the plus strand (G>A on the coding strand, the complement: HECTD4 is on the minus strand). VCF-style: chr12-112261314-C-T. GRCh37 (hg19) VCF-style: chr12-112699118-C-T.
Other names: c.2864G>A, p.Arg955His (NM_001109662.4); short protein forms R955H.
Identifiers: ClinVar variation 3038847 (VCV003038847.10), dbSNP rs141477684, ClinGen allele CA6797843.